The following is an entry in ClinVar:

ClinVar aggregate classification (germline): Likely pathogenic (1 of 4 stars; one submission).

Submission:

Labcorp Genetics (formerly Invitae), Labcorp
Classification: Likely pathogenic. Last evaluated: 2023-02-22. Review status: criteria provided, single submitter. Criteria: Invitae Variant Classification Sherloc (09022015). Collection method: clinical testing. Allele origin: germline.
Comment: This variant is not present in population databases (gnomAD no frequency). This sequence change affects an acceptor splice site in intron 5 of the DGUOK gene. It is expected to disrupt RNA splicing. Variants that disrupt the donor or acceptor splice site typically lead to a loss of protein function (PMID: 16199547), and loss-of-function variants in DGUOK are known to be pathogenic (PMID: 18205204). In summary, the currently available evidence indicates that the variant is pathogenic, but additional data are needed to prove that conclusively. Therefore, this variant has been classified as Likely Pathogenic. Algorithms developed to predict the effect of sequence changes on RNA splicing suggest that this variant may disrupt the consensus splice site. This variant has not been reported in the literature in individuals affected with DGUOK-related conditions.

Literature cited by the submitters: PubMed 16199547; PubMed 18205204.

NM_080916.3(DGUOK):c.708-2A>G

Genes: DGUOK (deoxyguanosine kinase; plus strand), DGUOK-AS1 (DGUOK antisense RNA 1; minus strand). Cytogenetic location: 2p13.1.
Variant type: single nucleotide variant.
Coding change: c.708-2A>G on transcript NM_080916.3 (MANE Select); the canonical splice acceptor site of the intron before coding-DNA position 708, A replaced by G.
Molecular consequence: splice acceptor variant. On other transcripts: non-coding transcript variant (2).
Genome position (GRCh38, 1-based): chr2:73,958,144, A>G. VCF-style: chr2-73958144-A-G. GRCh37 (hg19) VCF-style: chr2-74185271-A-G.
Other names: c.417-2A>G (NM_001318861.2, NM_001318860.2); c.399-2A>G (NM_001318862.2, NM_001318863.2); c.444-2A>G (NM_080918.3); c.426-2A>G (NM_001318859.2).
Identifiers: ClinVar variation 2993744 (VCV002993744.3), dbSNP rs201930936, ClinGen allele CA50410780.